The following is an entry in ClinVar:

ClinVar aggregate classification (germline): Uncertain significance (1 of 4 stars; one submission).

Submission:

Labcorp Genetics (formerly Invitae), Labcorp
Classification: Uncertain significance. Last evaluated: 2023-04-21. Review status: criteria provided, single submitter. Criteria: Invitae Variant Classification Sherloc (09022015). Collection method: clinical testing. Allele origin: germline.
Comment: In summary, the available evidence is currently insufficient to determine the role of this variant in disease. Therefore, it has been classified as a Variant of Uncertain Significance. ClinVar contains an entry for this variant (Variation ID: 1977463). This variant has not been reported in the literature in individuals affected with GSN-related conditions. This variant is not present in population databases (gnomAD no frequency). This sequence change creates a premature translational stop signal (p.Ala17Argfs*82) in the GSN gene. It is expected to result in an absent or disrupted protein product. However, the current clinical and genetic evidence is not sufficient to establish whether loss-of-function variants in GSN cause disease.

NM_198252.3(GSN):c.-9-2053del

Gene: GSN (gelsolin; plus strand). Cytogenetic location: 9q33.2.
Variant type: Deletion.
Coding change: c.-9-2053del on transcript NM_198252.3 (MANE Select); 2053 bases into the intron before 9 bases upstream of the start codon, one base deleted (G; older notation c.-9-2053delG).
Molecular consequence: intron variant. On other transcripts: frameshift variant (1).
Genome position (GRCh38, 1-based): chr9:121,299,910, G deleted; the last of 2 consecutive G bases (chr9:121,299,909-121,299,910); deleting either gives the same sequence. VCF-style (leftmost placement, unchanged base first): chr9-121299908-TG-T. GRCh37 (hg19) VCF-style: chr9-124062186-TG-T.
Other names: c.49del, p.Ala17fs (NM_000177.5); c.-9-2053del (NM_001353054.1, NM_001353053.1, NM_001353060.2 and 5 more transcripts); c.-47-146del (NM_001353064.2, NM_001353066.2, NM_001353072.2 and 8 more transcripts); c.-1-2061del (NM_001353058.2, NM_001353059.2, NM_001353056.2 and 1 more transcripts); c.-38-155del (NM_001353073.2, NM_001353065.2, NM_001353068.2 and 2 more transcripts); c.100-2053del (NM_001127663.2); c.-32-161del (NM_001353070.2); c.-48-2014del (NM_001353055.2); and 3 more; short protein forms A17fs.
Identifiers: ClinVar variation 1977463 (VCV001977463.5), dbSNP rs2540475041, ClinGen allele CA2580079505.